The following is an entry in ClinVar:

ClinVar aggregate classification (germline): Conflicting classifications of pathogenicity. Review status: criteria provided, conflicting classifications (1 of 4 stars). 5 submissions from 5 submitters: Uncertain significance (3); Likely benign (1). 1 of the submissions does not count toward it. Last evaluated 2025-05-11.

Conditions:
Inborn genetic diseases. Identifiers: MedGen C0950123, MeSH D030342.
Retinal dystrophy. Also called: Inherited retinal dystrophy. Identifiers: Orphanet 71862, MedGen C0854723, MeSH D058499, MONDO:0019118, HP:0000556.

Allele frequency attached by ClinVar (database versions not stated): gnomAD 0.00006 and 0.00007; gnomAD exomes 0.00007 and 0.00008; ExAC 0.00008; TOPMed 0.00008.
gnomAD v4.1: 122 of 1,613,350 alleles (0.0076%); highest among the groups gnomAD compares: Non-Finnish European, 0.0095%; no homozygotes.

Submissions (5):

Labcorp Genetics (formerly Invitae), Labcorp
Classification: Uncertain significance. Last evaluated: 2025-05-11. Review status: criteria provided, single submitter. Criteria: Invitae Variant Classification Sherloc (09022015). Collection method: clinical testing. Allele origin: germline.
Comment: This sequence change replaces valine, which is neutral and non-polar, with methionine, which is neutral and non-polar, at codon 317 of the CAPN5 protein (p.Val317Met). This variant is present in population databases (rs782495056, gnomAD 0.01%). This variant has not been reported in the literature in individuals affected with CAPN5-related conditions. ClinVar contains an entry for this variant (Variation ID: 546683). Invitae Evidence Modeling of protein sequence and biophysical properties (such as structural, functional, and spatial information, amino acid conservation, physicochemical variation, residue mobility, and thermodynamic stability) indicates that this missense variant is not expected to disrupt CAPN5 protein function with a negative predictive value of 80%. In summary, the available evidence is currently insufficient to determine the role of this variant in disease. Therefore, it has been classified as a Variant of Uncertain Significance.

Blueprint Genetics
Classification: Likely benign. Last evaluated: 2024-09-21. Review status: criteria provided, single submitter. Criteria: ACMG Guidelines, 2015. Collection method: clinical testing. Allele origin: germline.

Ambry Genetics
Classification: Uncertain significance for Inborn genetic diseases. Last evaluated: 2021-07-20. Review status: criteria provided, single submitter. Criteria: Ambry Variant Classification Scheme 2023. Collection method: clinical testing. Allele origin: germline.

CeGaT Center for Human Genetics Tuebingen
Classification: Uncertain significance. Last evaluated: 2017-12-01. Review status: criteria provided, single submitter. Criteria: CeGaT Center For Human Genetics Tuebingen Variant Classification Criteria Version 2. Collection method: clinical testing. Allele origin: germline. Affected: yes. Observed: 1 variant allele.

Institute of Human Genetics, Univ. Regensburg, Univ. Regensburg
Classification: Uncertain significance for Retinal dystrophy. Last evaluated: 2023-01-01. Review status: no assertion criteria provided. Criteria: ACMG Guidelines, 2015. Collection method: clinical testing. Allele origin: germline. Affected: yes. Not counted in ClinVar's aggregate classification.

NM_004055.5(CAPN5):c.949G>A (p.Val317Met)

Gene: CAPN5 (calpain 5; plus strand). Cytogenetic location: 11q13.5.
Variant type: single nucleotide variant.
Coding change: c.949G>A on transcript NM_004055.5 (MANE Select); coding-DNA position 949, G replaced by A.
Protein change: p.Val317Met; replaces valine 317 with methionine.
Molecular consequence: missense variant.
Genome position (GRCh38, 1-based): chr11:77,116,281, G>A. VCF-style: chr11-77116281-G-A. GRCh37 (hg19) VCF-style: chr11-76827327-G-A.
Other names: c.949G>A (NM_004055.4); short protein forms V317M.
Identifiers: ClinVar variation 546683 (VCV000546683.51), dbSNP rs782495056, ClinGen allele CA6196612.